The following is an entry in ClinVar:

ClinVar aggregate classification (germline): Pathogenic (1 of 4 stars; one submission).

Conditions:
Cardiovascular phenotype. Identifiers: MedGen CN230736.
Hereditary cancer-predisposing syndrome. Also called: Neoplastic Syndromes, Hereditary; Tumor predisposition; Hereditary Cancer Syndrome; Hereditary neoplastic syndrome. Identifiers: Orphanet 140162, MedGen C0027672, MeSH D009386, MONDO:0015356.

Submission:

Ambry Genetics
Classification: Pathogenic for Cardiovascular phenotype; Hereditary cancer-predisposing syndrome. Last evaluated: 2025-11-07. Review status: criteria provided, single submitter. Criteria: Ambry Variant Classification Scheme 2023. Collection method: clinical testing. Allele origin: germline.
Comment: The c.2649delAinsCGAGG pathogenic mutation, located in coding exon 21 of the NF1 gene, results from the deletion of one nucleotide and insertion of 5 nucleotides causing a translational frameshift with a predicted alternate stop codon (p.N886Gfs*21). This variant is considered to be rare based on population cohorts in the Genome Aggregation Database (gnomAD). This alteration is expected to result in loss of function by premature protein truncation or nonsense-mediated mRNA decay. As such, this alteration is interpreted as a disease-causing mutation.

NM_001042492.3(NF1):c.2649delinsCGAGG (p.Asn886fs)

Gene: NF1 (neurofibromin 1; plus strand). Cytogenetic location: 17q11.2.
Variant type: Indel.
Coding change: c.2649delinsCGAGG on transcript NM_001042492.3 (MANE Select); coding-DNA position 2649, A replaced by CGAGG.
Protein change: p.Asn886fs; shifts the reading frame from asparagine 886.
Molecular consequence: frameshift variant.
Genome position (GRCh38, 1-based): chr17:31,229,264, A replaced by CGAGG. VCF-style: chr17-31229264-A-CGAGG. GRCh37 (hg19) VCF-style: chr17-29556282-A-CGAGG.
Other names: c.2649delinsCGAGG, p.Asn886fs (NM_000267.4); short protein forms N886fs.
Identifiers: ClinVar variation 4615780 (VCV004615780.1).